The following is an entry in ClinVar:

NM_005751.5(AKAP9):c.7846G>A (p.Val2616Ile)

Gene: AKAP9 (A-kinase anchoring protein 9; plus strand). Cytogenetic location: 7q21.2.
Variant type: single nucleotide variant.
Coding change: c.7846G>A on transcript NM_005751.5 (MANE Select); coding-DNA position 7846, G replaced by A.
Protein change: p.Val2616Ile; replaces valine 2616 with isoleucine.
Molecular consequence: missense variant.
Genome position (GRCh38, 1-based): chr7:92,079,979, G>A. VCF-style: chr7-92079979-G-A. GRCh37 (hg19) VCF-style: chr7-91709293-G-A.
Other names: c.2491G>A, p.Val831Ile (NM_001379277.1); c.7822G>A, p.Val2608Ile (NM_147185.3); short protein forms V2616I, V831I, V2608I.
Identifiers: ClinVar variation 4613433 (VCV004613433.2).

ClinVar aggregate classification (germline): Uncertain significance (1 of 4 stars; one submission).

Conditions:
Cardiovascular phenotype. Identifiers: MedGen CN230736.

gnomAD v4.1: 6 of 1,581,504 alleles (0.00038%); highest among the groups gnomAD compares: Non-Finnish European, 0.00051%; no homozygotes.

Submission:

Ambry Genetics
Classification: Uncertain significance for Cardiovascular phenotype. Last evaluated: 2026-04-27. Review status: criteria provided, single submitter. Criteria: Ambry Variant Classification Scheme 2023. Collection method: clinical testing. Allele origin: germline.
Comment: The p.V2616I variant (also known as c.7846G>A), located in coding exon 31 of the AKAP9 gene, results from a G to A substitution at nucleotide position 7846. The valine at codon 2616 is replaced by isoleucine, an amino acid with highly similar properties. This amino acid position is conserved. In addition, this alteration is predicted to be tolerated by in silico analysis. Based on the available evidence, the clinical significance of this variant remains unclear.